The following is an entry in ClinVar:

NM_001287491.2(TET3):c.4017G>C (p.Glu1339Asp)

Gene: TET3 (tet methylcytosine dioxygenase 3; plus strand). Cytogenetic location: 2p13.1.
Variant type: single nucleotide variant.
Coding change: c.4017G>C on transcript NM_001287491.2 (MANE Select); coding-DNA position 4017, G replaced by C.
Protein change: p.Glu1339Asp; replaces glutamic acid 1339 with aspartic acid.
Molecular consequence: missense variant.
Genome position (GRCh38, 1-based): chr2:74,100,805, G>C. VCF-style: chr2-74100805-G-C. GRCh37 (hg19) VCF-style: chr2-74327932-G-C.
Other names: c.3738G>C, p.Glu1246Asp (NM_001366022.1); short protein forms E1246D, E1339D.
Identifiers: ClinVar variation 3378259 (VCV003378259.3).
Genomic context (GRCh38, chr2:74,100,805, plus strand): 5'-AGACCTCCACGCTCTGCACAACAGCCTGAGCCCGGCCTACGGTGGTGCTGAGTTTGCCGA[G>C]CTGCCCAGCCAGGCTGTTCCCACAGACGCCCACCACCCCACTCCTCACCACCAGCAGCCT-3'
Protein context (NP_001274420.1, residues 1329-1349): SPAYGGAEFA[Glu1339Asp]LPSQAVPTDA

ClinVar aggregate classification (germline): Uncertain significance (1 of 4 stars; one submission).

Submission:

GeneDx
Classification: Uncertain significance. Last evaluated: 2025-09-12. Review status: criteria provided, single submitter. Criteria: GeneDx Variant Classification Process June 2021. Collection method: clinical testing. Allele origin: germline. Affected: yes.
Comment: Not observed at significant frequency in large population cohorts (gnomAD); Has not been previously published as pathogenic or benign to our knowledge; In silico analysis supports that this missense variant has a deleterious effect on protein structure/function